The following is an entry in ClinVar:

ClinVar aggregate classification (germline): Likely benign (0 of 4 stars; one submission).

Conditions:
PAX4-related disorder. Also called: PAX4-related condition.

Submission:

PreventionGenetics, part of Exact Sciences
Classification: Likely benign for PAX4-related condition. Last evaluated: 2021-03-09. Review status: no assertion criteria provided. Collection method: clinical testing. Allele origin: germline.
Comment: This variant is classified as likely benign based on ACMG/AMP sequence variant interpretation guidelines (Richards et al. 2015 PMID: 25741868, with internal and published modifications).

NM_001366110.1(PAX4):c.*165C>T

Gene: PAX4 (paired box 4; minus strand). Cytogenetic location: 7q32.1.
Variant type: single nucleotide variant.
Coding change: c.*165C>T on transcript NM_001366110.1 (MANE Select); 165 bases downstream of the stop codon, C replaced by T.
Molecular consequence: 3 prime UTR variant. On other transcripts: synonymous variant (1).
Genome position (GRCh38, 1-based): chr7:127,610,899, G>A on the plus strand (C>T on the coding strand, the complement: PAX4 is on the minus strand). VCF-style: chr7-127610899-G-A. GRCh37 (hg19) VCF-style: chr7-127250953-G-A.
Other names: c.1000C>T, p.Leu334= (NM_001366111.1).
Identifiers: ClinVar variation 3031172 (VCV003031172.2), dbSNP rs2535509281, ClinGen allele CA2740097524.